The following is an entry in ClinVar:

NM_000136.3(FANCC):c.1117G>C (p.Glu373Gln)

Genes: FANCC (FA complementation group C; minus strand), AOPEP (aminopeptidase O (putative); plus strand). Cytogenetic location: 9q22.32.
Variant type: single nucleotide variant.
Coding change: c.1117G>C on transcript NM_000136.3 (MANE Select); coding-DNA position 1117, G replaced by C.
Protein change: p.Glu373Gln; replaces glutamic acid 373 with glutamine.
Molecular consequence: missense variant.
Genome position (GRCh38, 1-based): chr9:95,114,666, C>G on the plus strand (G>C on the coding strand, the complement: FANCC is on the minus strand). VCF-style: chr9-95114666-C-G. GRCh37 (hg19) VCF-style: chr9-97876948-C-G.
Other names: c.1117G>C, p.Glu373Gln (NM_001243743.2, NM_001243744.2); short protein forms E373Q.
Identifiers: ClinVar variation 2592951 (VCV002592951.3), dbSNP rs2540948129, ClinGen allele CA374107982.
Genomic context (GRCh38, chr9:95,114,666, plus strand): 5'-GGGAGTGGTCAGTGTTTGCTCACCCATGAGTCTGGTCTTCAACTGCTTCTCTGAGCAGTT[C>G]AGAAATATGCTTCAGTGTCTGGAGCCAGTGTCCCCGAGGGATATCTGCGGGTGGAGAGAG-3'
Protein context (NP_000127.2, residues 363-383): HWLQTLKHIS[Glu373Gln]LLREAVEDQT

ClinVar aggregate classification (germline): Uncertain significance (1 of 4 stars; one submission).

Conditions:
Hereditary cancer-predisposing syndrome. Also called: Tumor predisposition; Hereditary Cancer Syndrome; Hereditary neoplastic syndrome; Neoplastic Syndromes, Hereditary. Identifiers: Orphanet 140162, MedGen C0027672, MeSH D009386, MONDO:0015356.

Submission:

Ambry Genetics
Classification: Uncertain significance for Hereditary cancer-predisposing syndrome. Last evaluated: 2025-10-12. Review status: criteria provided, single submitter. Criteria: Ambry Variant Classification Scheme 2023. Collection method: clinical testing. Allele origin: germline.
Comment: The p.E373Q variant (also known as c.1117G>C), located in coding exon 11 of the FANCC gene, results from a G to C substitution at nucleotide position 1117. The glutamic acid at codon 373 is replaced by glutamine, an amino acid with highly similar properties. This amino acid position is conserved. In addition, this alteration is predicted to be tolerated by in silico analysis. Since supporting evidence is limited at this time, the clinical significance of this alteration remains unclear.